The following is an entry in ClinVar:

ClinVar aggregate classification (germline): Conflicting classifications of pathogenicity. Review status: criteria provided, conflicting classifications (1 of 4 stars). 5 submissions from 5 submitters: Uncertain significance (2); Benign (1); Likely benign (2). Last evaluated 2026-02-01.

Conditions:
NOTCH3-related disorder. Also called: NOTCH3-related disorders; NOTCH3-related condition.

Allele frequency attached by ClinVar (database versions not stated): gnomAD 0.00004 and 0.00007; gnomAD exomes 0.00005 and 0.00013; TOPMed 0.00005; ExAC 0.00011; 1000 Genomes Project 0.00020; 1000 Genomes Project 30x 0.00031.
gnomAD v4.1: 95 of 1,614,126 alleles (0.0059%); highest among the groups gnomAD compares: South Asian, 0.046%; no homozygotes.

Submissions (5):

CeGaT Center for Human Genetics Tuebingen
Classification: Uncertain significance. Last evaluated: 2026-02-01. Review status: criteria provided, single submitter. Criteria: CeGaT Center For Human Genetics Tuebingen Variant Classification Criteria Version 2. Collection method: clinical testing. Allele origin: germline. Affected: yes. Observed: 1 variant allele.

PreventionGenetics, part of Exact Sciences
Classification: Likely benign for NOTCH3-related condition. Last evaluated: 2024-12-02. Review status: criteria provided, single submitter. Criteria: ACMG Guidelines, 2015. Collection method: clinical testing. Allele origin: germline.
Comment: This variant is classified as likely benign based on ACMG/AMP sequence variant interpretation guidelines (Richards et al. 2015 PMID: 25741868, with internal and published modifications).

Labcorp Genetics (formerly Invitae), Labcorp
Classification: Benign. Last evaluated: 2024-06-06. Review status: criteria provided, single submitter. Criteria: Invitae Variant Classification Sherloc (09022015). Collection method: clinical testing. Allele origin: germline.

Revvity Omics, Revvity
Classification: Uncertain significance. Last evaluated: 2019-05-02. Review status: criteria provided, single submitter. Criteria: ACMG Guidelines, 2015. Collection method: clinical testing. Allele origin: germline.

Athena Diagnostics
Classification: Likely benign. Last evaluated: 2016-05-26. Review status: criteria provided, single submitter. Criteria: Athena Diagnostics Criteria. Collection method: clinical testing. Allele origin: germline.

NM_000435.3(NOTCH3):c.1678G>A (p.Val560Met)

Gene: NOTCH3 (notch receptor 3; minus strand). Cytogenetic location: 19p13.12.
Variant type: single nucleotide variant.
Coding change: c.1678G>A on transcript NM_000435.3 (MANE Select); coding-DNA position 1678, G replaced by A.
Protein change: p.Val560Met; replaces valine 560 with methionine.
Molecular consequence: missense variant.
Genome position (GRCh38, 1-based): chr19:15,187,267, C>T on the plus strand (G>A on the coding strand, the complement: NOTCH3 is on the minus strand). VCF-style: chr19-15187267-C-T. GRCh37 (hg19) VCF-style: chr19-15298078-C-T.
Other names: short protein forms V560M.
Identifiers: ClinVar variation 447795 (VCV000447795.13), dbSNP rs200160665, ClinGen allele CA9263580.
Genomic context (GRCh38, chr19:15,187,267, plus strand): 5'-CGCAGCGTGTGCCCGTGTAGCCAGGAGCACAGGCACATGAGAAGCTGGCGATGCCATCCA[C>T]GCAGCGACCATGGTGGCATGGGTCAGGGGAGCAGTCGTCCACGTTGCGATCACACAGCGT-3'
Protein context (NP_000426.2, residues 550-570): SPDPCHHGRC[Val560Met]DGIASFSCAC